The following is an entry in ClinVar:

ClinVar aggregate classification (germline): Benign/Likely benign. Review status: criteria provided, multiple submitters, no conflicts (2 of 4 stars). 18 submissions from 18 submitters: Benign (7); Likely benign (5). 6 of the submissions do not count toward it. Last evaluated 2026-09-01.

Conditions:
Inborn genetic diseases. Identifiers: MedGen C0950123, MeSH D030342.
RAI1-related disorder. Also called: RAI1-related condition.
Smith-Magenis syndrome (SMS). Also called: CHROMOSOME 17p11.2 DELETION SYNDROME. Identifiers: Orphanet 819, MedGen C0795864, MONDO:0008434, OMIM 182290.

Submissions (18):

CeGaT Center for Human Genetics Tuebingen
Classification: Benign. Last evaluated: 2026-09-01. Review status: criteria provided, single submitter. Criteria: CeGaT Center For Human Genetics Tuebingen Variant Classification Criteria Version 2. Collection method: clinical testing. Allele origin: germline. Affected: yes. Observed: 16 variant alleles.
Comment: RAI1: PM4:Supporting, BS1, BS2

Labcorp Genetics (formerly Invitae), Labcorp
Classification: Benign. Last evaluated: 2026-02-02. Review status: criteria provided, single submitter. Criteria: Invitae Variant Classification Sherloc (09022015). Collection method: clinical testing. Allele origin: germline.

Mayo Clinic Laboratories, Mayo Clinic
Classification: Likely benign. Last evaluated: 2025-05-15. Review status: criteria provided, single submitter. Criteria: ACMG Guidelines, 2015. Collection method: clinical testing. Allele origin: germline. Observed: 1 variant allele.
Comment: BS1, BS2, BP5, PM4, PS3_supporting

Blueprint Genetics
Classification: Likely benign. Last evaluated: 2024-11-19. Review status: criteria provided, single submitter. Criteria: ACMG Guidelines, 2015. Collection method: clinical testing. Allele origin: germline.

Molecular Genetics, Royal Melbourne Hospital
Classification: Likely benign for Smith-Magenis syndrome. Last evaluated: 2023-06-06. Review status: criteria provided, single submitter. Criteria: ACMG Guidelines, 2015. Collection method: clinical testing. Allele origin: germline. Inheritance: Autosomal dominant inheritance. Affected: no.

Mendelics
Classification: Likely benign for Smith-Magenis syndrome. Last evaluated: 2019-05-28. Review status: criteria provided, single submitter. Criteria: Mendelics Assertion Criteria 2017. Collection method: clinical testing. Allele origin: unknown.

Athena Diagnostics
Classification: Benign. Last evaluated: 2019-04-08. Review status: criteria provided, single submitter. Criteria: Athena Diagnostics Criteria. Collection method: clinical testing. Allele origin: germline.

GeneDx
Classification: Benign. Last evaluated: 2019-01-08. Review status: criteria provided, single submitter. Criteria: GeneDx Variant Classification Process June 2021. Collection method: clinical testing. Allele origin: germline. Affected: yes.
Comment: This variant is associated with the following publications: (PMID: 21857958)

Ambry Genetics
Classification: Benign for Inborn genetic diseases. Last evaluated: 2018-12-04. Review status: criteria provided, single submitter. Criteria: Ambry Variant Classification Scheme 2023. Collection method: clinical testing. Allele origin: germline.

Centre for Mendelian Genomics, University Medical Centre Ljubljana
Classification: Benign for Smith-Magenis syndrome. Last evaluated: 2018-10-31. Review status: criteria provided, single submitter. Criteria: ACMG Guidelines, 2015. Collection method: clinical testing. Allele origin: unknown. Affected: yes.
Comment: This variant was classified as: Benign. The following ACMG criteria were applied in classifying this variant: BS1,BS2.

Center for Pediatric Genomic Medicine, Children's Mercy Hospital and Clinics
Classification: Likely benign. Last evaluated: 2017-09-01. Review status: criteria provided, single submitter. Criteria: ACMG Guidelines, 2015. Collection method: clinical testing. Allele origin: germline.

Eurofins Ntd Llc (ga)
Classification: Benign. Last evaluated: 2013-01-03. Review status: criteria provided, single submitter. Criteria: EGL Classification Definitions 2015. Collection method: clinical testing. Allele origin: germline. Observed: 2 variant alleles, 2 heterozygotes.

PreventionGenetics, part of Exact Sciences
Classification: Benign for RAI1-related condition. Last evaluated: 2020-12-24. Review status: no assertion criteria provided. Collection method: clinical testing. Allele origin: germline. Not counted in ClinVar's aggregate classification.
Comment: This variant is classified as benign based on ACMG/AMP sequence variant interpretation guidelines (Richards et al. 2015 PMID: 25741868, with internal and published modifications).

Genetic Services Laboratory, University of Chicago
Classification: Benign. Last evaluated: 2014-08-14. Review status: no assertion criteria provided. Collection method: clinical testing. Allele origin: germline. Affected: yes. Not counted in ClinVar's aggregate classification.

Clinical Genetics DNA and cytogenetics Diagnostics Lab, Erasmus MC, Erasmus Medical Center
Classification: Likely benign. Review status: no assertion criteria provided. Collection method: clinical testing. Allele origin: germline. Affected: yes. Study: VKGL Data-share Consensus. Not counted in ClinVar's aggregate classification.

Department of Pathology and Laboratory Medicine, Sinai Health System
Classification: Benign. Review status: no assertion criteria provided. Collection method: clinical testing. Allele origin: unknown. Affected: yes. Study: The Canadian Open Genetics Repository (COGR). Not counted in ClinVar's aggregate classification.
Comment: The variant was identified in dbSNP (ID: rs149716029) and ClinVar (classified as benign by Genetic Services Laboratory, University of Chicago and EGL Diagnostics, as likely benign by Prevention Genetics, Center for Pediatric Genomic Medicine,Children's Mercy Hospital and Clinics, GeneDx and Ambry Genetics, and uncertain significance by Genetic Services Laboratory, University of Chicago). The variant was identified in control databases in 794 of 281978 chromosomes (2 homozygous) at a frequency of 0.002816 increasing the likelihood this could be a low frequency benign variant (Genome Aggregation Database March 6, 2019, v2.1.1). The variant was observed in the following populations: European (non-Finnish) in 630 of 128542 chromosomes (freq: 0.004901), Other in 23 of 7200 chromosomes (freq: 0.003194), European (Finnish) in 73 of 25096 chromosomes (freq: 0.002909), Latino in 43 of 35404 chromosomes (freq: 0.001215), African in 23 of 24850 chromosomes (freq: 0.000926), Ashkenazi Jewish in 1 of 10344 chromosomes (freq: 0.000097) and South Asian in 1 of 30610 chromosomes (freq: 0.000033), but was not observed in the East Asian population. This variant is an in-frame deletion resulting in the removal of a glutamic acid (glu) residue at codon 1261; the impact of this alteration on RAI1 protein function is not known. The variant occurs outside of the splicing consensus sequence and in silico or computational prediction software programs (SpliceSiteFinder, MaxEntScan, NNSPLICE, GeneSplicer) do not predict a difference in splicing. In summary, based on the above information this variant meets our laboratory's criteria to be classified as benign.

Diagnostic Laboratory, Department of Genetics, University Medical Center Groningen
Classification: Likely benign. Review status: no assertion criteria provided. Collection method: clinical testing. Allele origin: germline. Affected: yes. Study: VKGL Data-share Consensus. Not counted in ClinVar's aggregate classification.

Laboratory of Diagnostic Genome Analysis, Leiden University Medical Center (LUMC)
Classification: Likely benign. Review status: no assertion criteria provided. Collection method: clinical testing. Allele origin: germline. Affected: yes. Study: VKGL Data-share Consensus. Not counted in ClinVar's aggregate classification.

Literature cited by the submitters: PubMed 21857958 (cited by 3 submitters); PubMed 27082237 (cited by Athena Diagnostics).

NM_030665.4(RAI1):c.3778GAG[1] (p.Glu1261del)

Gene: RAI1 (retinoic acid induced 1; plus strand). Cytogenetic location: 17p11.2.
Variant type: Microsatellite.
Coding change: c.3778GAG[1] on transcript NM_030665.4 (MANE Select); one copy of the 3-base unit GAG starting at c.3778; the reference has two copies in a row; one copy, 3 bases deleted; also written c.3781_3783del.
Protein change: p.Glu1261del; deletes glutamic acid 1261.
Molecular consequence: inframe deletion.
Genome position (GRCh38, 1-based): chr17:17,796,729-17,796,731, GAG deleted; deleting any 3 consecutive bases within chr17:17,796,724-17,796,731 gives the same sequence; the position shown is the placement nearest the transcript's 3' end. VCF-style (leftmost placement, unchanged base first): chr17-17796723-AAGG-A. GRCh37 (hg19) VCF-style: chr17-17700037-AAGG-A.
Other names: p.Glu1261del; c.3781_3783del (NM_030665.4); c.3781_3783delGAG (NM_030665.4); c.3776_3778del (NM_030665.4); short protein forms E1261del.
Identifiers: ClinVar variation 96187 (VCV000096187.69), dbSNP rs149716029, ClinGen allele CA149335.